The following is an entry in ClinVar:

ClinVar aggregate classification (germline): Uncertain significance (1 of 4 stars; one submission).

Conditions:
Desmin-related myofibrillar myopathy (MFM1). Also called: Desmin related myopathy (former name); Desminopathy; Desmin storage myopathy (former name); Myofibrillar myopathy 1; MYOFIBRILLAR MYOPATHY WITH ARRHYTHMOGENIC RIGHT VENTRICULAR CARDIOMYOPATHY; DESMIN-RELATED MYOPATHY WITH ARRHYTHMOGENIC RIGHT VENTRICULAR CARDIOMYOPATHY. Identifiers: Orphanet 363543, Orphanet 98909, MedGen C1832370, MONDO:0011076, OMIM 601419.

Submission:

Labcorp Genetics (formerly Invitae), Labcorp
Classification: Uncertain significance for Desmin-related myofibrillar myopathy. Last evaluated: 2020-02-22. Review status: criteria provided, single submitter. Criteria: Invitae Variant Classification Sherloc (09022015). Collection method: clinical testing. Allele origin: germline.
Comment: This sequence change replaces alanine with threonine at codon 382 of the DES protein (p.Ala382Thr). The alanine residue is highly conserved and there is a small physicochemical difference between alanine and threonine. This variant is not present in population databases (ExAC no frequency). This variant has not been reported in the literature in individuals with DES-related conditions. Algorithms developed to predict the effect of missense changes on protein structure and function are either unavailable or do not agree on the potential impact of this missense change (SIFT: "Tolerated"; PolyPhen-2: "Possibly Damaging"; Align-GVGD: "Class C0"). In summary, the available evidence is currently insufficient to determine the role of this variant in disease. Therefore, it has been classified as a Variant of Uncertain Significance.

NM_001927.4(DES):c.1144G>A (p.Ala382Thr)

Gene: DES (desmin; plus strand). Cytogenetic location: 2q35.
Variant type: single nucleotide variant.
Coding change: c.1144G>A on transcript NM_001927.4 (MANE Select); coding-DNA position 1144, G replaced by A.
Protein change: p.Ala382Thr; replaces alanine 382 with threonine.
Molecular consequence: missense variant. On other transcripts: intron variant (1).
Genome position (GRCh38, 1-based): chr2:219,421,460, G>A. VCF-style: chr2-219421460-G-A. GRCh37 (hg19) VCF-style: chr2-220286182-G-A.
Other names: c.1141G>A, p.Ala381Thr (NM_001382708.1); c.1075G>A, p.Ala359Thr (NM_001382710.1); c.1123G>A, p.Ala375Thr (NM_001382711.1); c.1144G>A, p.Ala382Thr (NM_001382712.1); c.874G>A, p.Ala292Thr (NM_001382713.1); c.736-24G>A (NM_001382709.1); short protein forms A375T, A381T, A382T, A292T, A359T.
Identifiers: ClinVar variation 962402 (VCV000962402.10), dbSNP rs1954441688, ClinGen allele CA350694546.